The following is an entry in ClinVar:

NM_015107.3(PHF8):c.1323+543C>T

Gene: PHF8 (PHD finger protein 8; minus strand). Cytogenetic location: Xp11.22.
Variant type: single nucleotide variant.
Coding change: c.1323+543C>T on transcript NM_015107.3 (MANE Select); 543 bases into the intron after coding-DNA position 1323, C replaced by T.
Molecular consequence: intron variant.
Genome position (GRCh38, 1-based): chrX:53,995,150, G>A on the plus strand (C>T on the coding strand, the complement: PHF8 is on the minus strand). VCF-style: chrX-53995150-G-A. GRCh37 (hg19) VCF-style: chrX-54021583-G-A.
Other names: c.1431+543C>T (NM_001184896.1); c.1323+543C>T (NM_001184897.2, NM_001184898.2).
Identifiers: ClinVar variation 2660649 (VCV002660649.24), dbSNP rs782301223, ClinGen allele CA10423494.
Genomic context (GRCh38, chrX:53,995,150, plus strand): 5'-CAGAGCAGGAACCAGAACCCAGGTTTCTCTGAATCTCTTACCACTATACCTTACTGCCTC[G>A]TGGTATATGCCACCTGTTGAAACATGGCTTTGTAATCATCTTCACCCCGAGAGAACTGTC-3'

ClinVar aggregate classification (germline): Likely benign (1 of 4 stars; one submission).

Allele frequency attached by ClinVar (database versions not stated): TOPMed 0.00006; gnomAD 0.00009; gnomAD exomes 0.00017; ExAC 0.00042.
gnomAD v4.1: 48 of 340,397 alleles (0.014%); highest among the groups gnomAD compares: Non-Finnish European, 0.017%; no homozygotes.

Submission:

CeGaT Center for Human Genetics Tuebingen
Classification: Likely benign. Last evaluated: 2022-11-01. Review status: criteria provided, single submitter. Criteria: CeGaT Center For Human Genetics Tuebingen Variant Classification Criteria Version 2. Collection method: clinical testing. Allele origin: germline. Affected: yes. Observed: 1 variant allele.
Comment: PHF8: BS2